The following is an entry in ClinVar:

ClinVar aggregate classification (germline): Uncertain significance (0 of 4 stars; one submission).

Conditions:
UTP4-related disorder. Also called: UTP4-related condition.

Submission:

PreventionGenetics, part of Exact Sciences
Classification: Uncertain significance for UTP4-related condition. Last evaluated: 2024-03-27. Review status: no assertion criteria provided. Collection method: clinical testing. Allele origin: germline.
Comment: The UTP4 c.1159A>G variant is predicted to result in the amino acid substitution p.Thr387Ala. To our knowledge, this variant has not been reported in the literature or in a large population database, indicating this variant is rare. At this time, the clinical significance of this variant is uncertain due to the absence of conclusive functional and genetic evidence.

NM_032830.3(UTP4):c.1159A>G (p.Thr387Ala)

Gene: UTP4 (UTP4 small subunit processome component). Cytogenetic location: 16q22.1.
Variant type: single nucleotide variant.
Coding change: c.1159A>G on transcript NM_032830.3 (MANE Select); coding-DNA position 1159, A replaced by G.
Protein change: p.Thr387Ala; replaces threonine 387 with alanine.
Molecular consequence: missense variant.
Genome position (GRCh38, 1-based): chr16:69,154,452, A>G. VCF-style: chr16-69154452-A-G. GRCh37 (hg19) VCF-style: chr16-69188355-A-G.
Other names: c.910A>G, p.Thr304Ala (NM_001318391.2); short protein forms T304A, T387A.
Identifiers: ClinVar variation 3347833 (VCV003347833.1).
Genomic context (GRCh38, chr16:69,154,452, plus strand): 5'-GGCAAGAATGGGGATACTCTTCCACTCTCTAAAAATGCAGATCATTTACTGCACCTAAAG[A>G]CAAAGGTAAGGAAGTTTGTTTAGGCTCTGAATTCTAGAGCCTGAATTCTAGGCTCATAAT-3'
Protein context (NP_116219.2, residues 377-397): KNADHLLHLK[Thr387Ala]KGPENIICSC